The following is an entry in ClinVar:

ClinVar aggregate classification (germline): Uncertain significance. Review status: criteria provided, multiple submitters, no conflicts (2 of 4 stars). 2 submissions from 2 submitters: Uncertain significance (2). Last evaluated 2025-09-06.

Conditions:
Inborn genetic diseases. Identifiers: MedGen C0950123, MeSH D030342.

Allele frequency attached by ClinVar (database versions not stated): gnomAD 0.00002; 1000 Genomes Project 30x 0.00031; 1000 Genomes Project 0.00040.
gnomAD v4.1: 48 of 1,613,432 alleles (0.003%); highest among the groups gnomAD compares: East Asian, 0.062%; no homozygotes.

Submissions (2):

Labcorp Genetics (formerly Invitae), Labcorp
Classification: Uncertain significance. Last evaluated: 2025-09-06. Review status: criteria provided, single submitter. Criteria: Invitae Variant Classification Sherloc (09022015). Collection method: clinical testing. Allele origin: germline.
Comment: This sequence change replaces arginine, which is basic and polar, with tryptophan, which is neutral and slightly polar, at codon 686 of the GUCY2C protein (p.Arg686Trp). This variant is present in population databases (rs192199843, gnomAD 0.05%). This variant has not been reported in the literature in individuals affected with GUCY2C-related conditions. ClinVar contains an entry for this variant (Variation ID: 2073661). An algorithm developed to predict the effect of missense changes on protein structure and function outputs the following: PolyPhen-2: "Benign". The tryptophan amino acid residue is found in multiple mammalian species, which suggests that this missense change does not adversely affect protein function. In summary, the available evidence is currently insufficient to determine the role of this variant in disease. Therefore, it has been classified as a Variant of Uncertain Significance.

Ambry Genetics
Classification: Uncertain significance for Inborn genetic diseases. Last evaluated: 2022-12-21. Review status: criteria provided, single submitter. Criteria: Ambry Variant Classification Scheme 2023. Collection method: clinical testing. Allele origin: germline.

NM_004963.4(GUCY2C):c.2056C>T (p.Arg686Trp)

Gene: GUCY2C (guanylate cyclase 2C; minus strand). Cytogenetic location: 12p12.3.
Variant type: single nucleotide variant.
Coding change: c.2056C>T on transcript NM_004963.4 (MANE Select); coding-DNA position 2056, C replaced by T.
Protein change: p.Arg686Trp; replaces arginine 686 with tryptophan.
Molecular consequence: missense variant.
Genome position (GRCh38, 1-based): chr12:14,641,094, G>A on the plus strand (C>T on the coding strand, the complement: GUCY2C is on the minus strand). VCF-style: chr12-14641094-G-A. GRCh37 (hg19) VCF-style: chr12-14794028-G-A.
Other names: short protein forms R686W.
Identifiers: ClinVar variation 2073661 (VCV002073661.5), dbSNP rs192199843, ClinGen allele CA6463207.